The following is an entry in ClinVar:

NM_000455.5(STK11):c.974G>C (p.Ser325Thr)

Gene: STK11 (serine/threonine kinase 11; plus strand). Cytogenetic location: 19p13.3.
Variant type: single nucleotide variant.
Coding change: c.974G>C on transcript NM_000455.5 (MANE Select); coding-DNA position 974, G replaced by C.
Protein change: p.Ser325Thr; replaces serine 325 with threonine.
Molecular consequence: missense variant.
Genome position (GRCh38, 1-based): chr19:1,223,038, G>C. VCF-style: chr19-1223038-G-C. GRCh37 (hg19) VCF-style: chr19-1223037-G-C.
Other names: c.974G>C (NM_000455.4); short protein forms S325T.
Identifiers: ClinVar variation 1498658 (VCV001498658.10), dbSNP rs587781643, ClinGen allele CA402951589.

ClinVar aggregate classification (germline): Uncertain significance. Review status: criteria provided, multiple submitters, no conflicts (2 of 4 stars). 2 submissions from 2 submitters: Uncertain significance (2). Last evaluated 2024-07-30.

Conditions:
Hereditary cancer-predisposing syndrome. Also called: Tumor predisposition; Hereditary neoplastic syndrome; Neoplastic Syndromes, Hereditary; Hereditary Cancer Syndrome. Identifiers: Orphanet 140162, MedGen C0027672, MeSH D009386, MONDO:0015356.
Peutz-Jeghers syndrome (PJS). Also called: POLYPOSIS, HAMARTOMATOUS INTESTINAL; POLYPS-AND-SPOTS SYNDROME; Peutz-Jeghers polyposis; Periorificial lentiginosis syndrome. Identifiers: Orphanet 2869, MedGen C0031269, MeSH D010580, MONDO:0008280, OMIM 175200.

Allele frequency attached by ClinVar (database versions not stated): gnomAD exomes 0.00001.
gnomAD v4.1: 4 of 1,596,852 alleles (0.00025%); highest among the groups gnomAD compares: East Asian, 0.0023%; no homozygotes.

Submissions (2):

Ambry Genetics
Classification: Uncertain significance for Hereditary cancer-predisposing syndrome. Last evaluated: 2024-07-30. Review status: criteria provided, single submitter. Criteria: Ambry Variant Classification Scheme 2023. Collection method: clinical testing. Allele origin: germline.

Labcorp Genetics (formerly Invitae), Labcorp
Classification: Uncertain significance for Peutz-Jeghers syndrome. Last evaluated: 2023-07-17. Review status: criteria provided, single submitter. Criteria: Invitae Variant Classification Sherloc (09022015). Collection method: clinical testing. Allele origin: germline.
Comment: In summary, the available evidence is currently insufficient to determine the role of this variant in disease. Therefore, it has been classified as a Variant of Uncertain Significance. Algorithms developed to predict the effect of sequence changes on RNA splicing suggest that this variant may create or strengthen a splice site. Advanced modeling of protein sequence and biophysical properties (such as structural, functional, and spatial information, amino acid conservation, physicochemical variation, residue mobility, and thermodynamic stability) performed at Invitae indicates that this missense variant is not expected to disrupt STK11 protein function. ClinVar contains an entry for this variant (Variation ID: 1498658). This variant has not been reported in the literature in individuals affected with STK11-related conditions. This variant is present in population databases (no rsID available, gnomAD 0.006%). This sequence change replaces serine, which is neutral and polar, with threonine, which is neutral and polar, at codon 325 of the STK11 protein (p.Ser325Thr).